The following is an entry in ClinVar:

NM_024529.5(CDC73):c.37A>T (p.Ile13Phe)

Gene: CDC73 (cell division cycle 73; plus strand). Cytogenetic location: 1q31.2.
Variant type: single nucleotide variant.
Coding change: c.37A>T on transcript NM_024529.5 (MANE Select); coding-DNA position 37, A replaced by T.
Protein change: p.Ile13Phe; replaces isoleucine 13 with phenylalanine.
Molecular consequence: missense variant.
Genome position (GRCh38, 1-based): chr1:193,122,237, A>T. VCF-style: chr1-193122237-A-T. GRCh37 (hg19) VCF-style: chr1-193091367-A-T.
Other names: short protein forms I13F.
Identifiers: ClinVar variation 2095086 (VCV002095086.5), dbSNP rs762220544, ClinGen allele CA343972799.

ClinVar aggregate classification (germline): Uncertain significance. Review status: criteria provided, multiple submitters, no conflicts (2 of 4 stars). 2 submissions from 2 submitters: Uncertain significance (2). Last evaluated 2025-02-14.

Conditions:
Hereditary cancer-predisposing syndrome. Also called: Hereditary neoplastic syndrome; Neoplastic Syndromes, Hereditary; Tumor predisposition; Hereditary Cancer Syndrome. Identifiers: Orphanet 140162, MedGen C0027672, MeSH D009386, MONDO:0015356.
Parathyroid carcinoma (PRTC). Also called: Parathyroid gland carcinoma; CDC73-Related Parathyroid Carcinoma. Identifiers: Orphanet 143, MedGen C0687150, MONDO:0012004, OMIM 608266, HP:0006780.

Submissions (2):

Ambry Genetics
Classification: Uncertain significance for Hereditary cancer-predisposing syndrome. Last evaluated: 2025-02-14. Review status: criteria provided, single submitter. Criteria: Ambry Variant Classification Scheme 2023. Collection method: clinical testing. Allele origin: germline.
Comment: The p.I13F variant (also known as c.37A>T), located in coding exon 1 of the CDC73 gene, results from an A to T substitution at nucleotide position 37. The isoleucine at codon 13 is replaced by phenylalanine, an amino acid with highly similar properties. This amino acid position is conserved. In addition, the in silico prediction for this alteration is inconclusive. Based on the available evidence, the clinical significance of this variant remains unclear.

Labcorp Genetics (formerly Invitae), Labcorp
Classification: Uncertain significance for Parathyroid carcinoma. Last evaluated: 2022-02-08. Review status: criteria provided, single submitter. Criteria: Invitae Variant Classification Sherloc (09022015). Collection method: clinical testing. Allele origin: germline.
Comment: Algorithms developed to predict the effect of missense changes on protein structure and function (SIFT, PolyPhen-2, Align-GVGD) all suggest that this variant is likely to be tolerated. This sequence change replaces isoleucine, which is neutral and non-polar, with phenylalanine, which is neutral and non-polar, at codon 13 of the CDC73 protein (p.Ile13Phe). This variant is not present in population databases (gnomAD no frequency). This variant has not been reported in the literature in individuals affected with CDC73-related conditions. In summary, the available evidence is currently insufficient to determine the role of this variant in disease. Therefore, it has been classified as a Variant of Uncertain Significance.